The following is an entry in ClinVar:

NM_012210.4(TRIM32):c.1953C>T (p.Ser651=)

Genes: ASTN2 (astrotactin 2; minus strand), TRIM32 (tripartite motif containing 32; plus strand). Cytogenetic location: 9q33.1.
Variant type: single nucleotide variant.
Coding change: c.1953C>T on transcript NM_012210.4 (MANE Select); coding-DNA position 1953, C replaced by T.
Protein change: p.Ser651=; no amino-acid change (serine 651 retained).
Molecular consequence: synonymous variant. On other transcripts: intron variant (3).
Genome position (GRCh38, 1-based): chr9:116,699,695, C>T. VCF-style: chr9-116699695-C-T. GRCh37 (hg19) VCF-style: chr9-119461974-C-T.
Other names: c.1953C>T, p.Ser651= (NM_001099679.2, NM_001379048.1, NM_001379049.1 and 1 more transcripts); c.2653+26076G>A (NM_014010.5); c.2794+26076G>A (NM_001365069.1); c.2806+26076G>A (NM_001365068.1).
Identifiers: ClinVar variation 4978952 (VCV004978952.1).

ClinVar aggregate classification (germline): Likely benign (1 of 4 stars; one submission).

Conditions:
TRIM32-related disorder. Also called: TRIM32-related condition.

gnomAD v4.1: 6 of 1,614,200 alleles (0.00037%); highest among the groups gnomAD compares: Non-Finnish European, 0.00051%; no homozygotes.

Submission:

PreventionGenetics, part of Exact Sciences
Classification: Likely benign for TRIM32-related condition. Last evaluated: 2025-08-10. Review status: criteria provided, single submitter. Criteria: ACMG Guidelines, 2015. Collection method: clinical testing. Allele origin: germline.
Comment: This variant is classified as likely benign based on ACMG/AMP sequence variant interpretation guidelines (Richards et al. 2015 PMID: 25741868, with internal and published modifications).